The following is an entry in ClinVar:

NM_005188.4(CBL):c.1768T>A (p.Trp590Arg)

Gene: CBL (Cbl proto-oncogene; plus strand). Cytogenetic location: 11q23.3.
Variant type: single nucleotide variant.
Coding change: c.1768T>A on transcript NM_005188.4 (MANE Select); coding-DNA position 1768, T replaced by A.
Protein change: p.Trp590Arg; replaces tryptophan 590 with arginine.
Molecular consequence: missense variant.
Genome position (GRCh38, 1-based): chr11:119,285,393, T>A. VCF-style: chr11-119285393-T-A. GRCh37 (hg19) VCF-style: chr11-119156103-T-A.
Other names: short protein forms W590R.
Identifiers: ClinVar variation 3368319 (VCV003368319.3).

ClinVar aggregate classification (germline): Uncertain significance. Review status: criteria provided, multiple submitters, no conflicts (2 of 4 stars). 3 submissions from 3 submitters: Uncertain significance (3). Last evaluated 2025-01-31.

Conditions:
Cardiovascular phenotype. Identifiers: MedGen CN230736.

gnomAD v4.1: 2 of 1,614,172 alleles (0.00012%); highest among the groups gnomAD compares: East Asian, 0.0022%; no homozygotes.

Submissions (3):

Ambry Genetics
Classification: Uncertain significance for Cardiovascular phenotype. Last evaluated: 2025-01-31. Review status: criteria provided, single submitter. Criteria: Ambry Variant Classification Scheme 2023. Collection method: clinical testing. Allele origin: germline.
Comment: The p.W590R variant (also known as c.1768T>A), located in coding exon 11 of the CBL gene, results from a T to A substitution at nucleotide position 1768. The tryptophan at codon 590 is replaced by arginine, an amino acid with dissimilar properties. This amino acid position is conserved. In addition, this alteration is predicted to be deleterious by in silico analysis. Based on the available evidence, the clinical significance of this variant remains unclear.

Blueprint Genetics
Classification: Uncertain significance. Last evaluated: 2024-08-23. Review status: criteria provided, single submitter. Criteria: ACMG Guidelines, 2015. Collection method: clinical testing. Allele origin: germline.

GeneDx
Classification: Uncertain significance. Last evaluated: 2024-01-23. Review status: criteria provided, single submitter. Criteria: GeneDx Variant Classification Process June 2021. Collection method: clinical testing. Allele origin: germline. Affected: yes.
Comment: Not observed at significant frequency in large population cohorts (gnomAD); In silico analysis supports that this missense variant does not alter protein structure/function; Has not been previously published as pathogenic or benign to our knowledge; This variant is associated with the following publications: (PMID: 20619386)